The following is an entry in ClinVar:

NM_133642.5(LARGE1):c.787+158T>C

Gene: LARGE1 (LARGE xylosyl- and glucuronyltransferase 1; minus strand). Cytogenetic location: 22q12.3.
Variant type: single nucleotide variant.
Coding change: c.787+158T>C on transcript NM_133642.5 (MANE Select); 158 bases into the intron after coding-DNA position 787, T replaced by C.
Molecular consequence: intron variant.
Genome position (GRCh38, 1-based): chr22:33,564,690, A>G on the plus strand (T>C on the coding strand, the complement: LARGE1 is on the minus strand). VCF-style: chr22-33564690-A-G. GRCh37 (hg19) VCF-style: chr22-33960676-A-G.
Other names: c.787+158T>C (NM_001362953.2, NM_001362949.2, NM_001378627.1 and 7 more transcripts); c.184+158T>C (NM_001378631.1, NM_001378630.1).
Identifiers: ClinVar variation 683017 (VCV000683017.1), dbSNP rs713795, ClinGen allele CA14988417.

ClinVar aggregate classification (germline): Benign (1 of 4 stars; one submission).

Allele frequency attached by ClinVar (database versions not stated): 1000 Genomes Project 30x 0.32605; 1000 Genomes Project 0.32768; TOPMed 0.38828; gnomAD 0.39970 and 0.40002.
gnomAD v4.1: 61,049 of 152,180 alleles (40%); highest among the groups gnomAD compares: Non-Finnish European, 51%; 13,748 homozygotes.

Submission:

GeneDx
Classification: Benign. Last evaluated: 2018-06-14. Review status: criteria provided, single submitter. Criteria: GeneDx Variant Classification (06012015). Collection method: clinical testing. Allele origin: germline. Affected: yes.
Comment: This variant is considered likely benign or benign based on one or more of the following criteria: it is a conservative change, it occurs at a poorly conserved position in the protein, it is predicted to be benign by multiple in silico algorithms, and/or has population frequency not consistent with disease.